The following is an entry in ClinVar:

ClinVar aggregate classification (germline): Likely benign (1 of 4 stars; one submission).

gnomAD v4.1: 74 of 1,607,986 alleles (0.0046%); highest among the groups gnomAD compares: East Asian, 0.036%; no homozygotes.

Submission:

CeGaT Center for Human Genetics Tuebingen
Classification: Likely benign. Last evaluated: 2026-07-01. Review status: criteria provided, single submitter. Criteria: CeGaT Center For Human Genetics Tuebingen Variant Classification Criteria Version 2. Collection method: clinical testing. Allele origin: germline. Affected: yes. Observed: 1 variant allele.
Comment: INTS1: BP4, BP7

NM_001080453.3(INTS1):c.903C>T (p.Ile301=)

Gene: INTS1 (integrator complex subunit 1; minus strand). Cytogenetic location: 7p22.3.
Variant type: single nucleotide variant.
Coding change: c.903C>T on transcript NM_001080453.3 (MANE Select); coding-DNA position 903, C replaced by T.
Protein change: p.Ile301=; no amino-acid change (isoleucine 301 retained).
Molecular consequence: synonymous variant.
Genome position (GRCh38, 1-based): chr7:1,499,302, G>A on the plus strand (C>T on the coding strand, the complement: INTS1 is on the minus strand). VCF-style: chr7-1499302-G-A. GRCh37 (hg19) VCF-style: chr7-1538938-G-A.
Identifiers: ClinVar variation 5038986 (VCV005038986.1).